The following is an entry in ClinVar:

ClinVar aggregate classification (germline): Uncertain significance (1 of 4 stars; one submission).

Conditions:
Neurofibromatosis, type 1 (NF1). Also called: Peripheral type neurofibromatosis; VON RECKLINGHAUSEN DISEASE; Neurofibromatosis, type I; NEUROFIBROMATOSIS, TYPE I, SOMATIC. Identifiers: Orphanet 636, MedGen C0027831, MONDO:0018975, OMIM 162200. Disease mechanism: loss of function.

Allele frequency attached by ClinVar (database versions not stated): ExAC 0.00001.
gnomAD v4.1: 3 of 1,612,806 alleles (0.00019%); highest among the groups gnomAD compares: East Asian, 0.0045%; no homozygotes.

Submission:

Labcorp Genetics (formerly Invitae), Labcorp
Classification: Uncertain significance for Neurofibromatosis, type 1. Last evaluated: 2025-12-31. Review status: criteria provided, single submitter. Criteria: Invitae Variant Classification Sherloc (09022015). Collection method: clinical testing. Allele origin: germline.
Comment: This sequence change falls in intron 21 of the NF1 gene. It does not directly change the encoded amino acid sequence of the NF1 protein. It affects a nucleotide within the consensus splice site. This variant is present in population databases (rs756650807, gnomAD 0.006%). This variant has not been reported in the literature in individuals affected with NF1-related conditions. ClinVar contains an entry for this variant (Variation ID: 941175). Variants that disrupt the consensus splice site are a relatively common cause of aberrant splicing (PMID: 17576681, 9536098). Algorithms developed to predict the effect of sequence changes on RNA splicing suggest that this variant is not likely to affect RNA splicing. In summary, the available evidence is currently insufficient to determine the role of this variant in disease. Therefore, it has been classified as a Variant of Uncertain Significance.

Literature cited by the submitters: PubMed 17576681; PubMed 9536098.

NM_001042492.3(NF1):c.2850+6G>A

Gene: NF1 (neurofibromin 1; plus strand). Cytogenetic location: 17q11.2.
Variant type: single nucleotide variant.
Coding change: c.2850+6G>A on transcript NM_001042492.3 (MANE Select); 6 bases into the intron after coding-DNA position 2850, G replaced by A.
Molecular consequence: intron variant.
Genome position (GRCh38, 1-based): chr17:31,229,471, G>A. VCF-style: chr17-31229471-G-A. GRCh37 (hg19) VCF-style: chr17-29556489-G-A.
Other names: c.2850+6G>A (NM_000267.4).
Identifiers: ClinVar variation 941175 (VCV000941175.6), dbSNP rs756650807, ClinGen allele CA8486030.